The following is an entry in ClinVar:

ClinVar aggregate classification (germline): Uncertain significance (1 of 4 stars; one submission).

Conditions:
Congenital disorder of glycosylation type 1E (CDG1E). Also called: CONGENITAL DISORDER OF GLYCOSYLATION, TYPE Ie; CDG Ie. Identifiers: Orphanet 79322, MedGen C1837396, MONDO:0012123, OMIM 608799.

gnomAD v4.1: 1 of 1,613,822 alleles (0.000062%); highest among the groups gnomAD compares: Non-Finnish European, 0.000085%; no homozygotes.

Submission:

3billion
Classification: Uncertain significance for Congenital disorder of glycosylation type 1E. Last evaluated: 2024-09-24. Review status: criteria provided, single submitter. Criteria: ACMG Guidelines, 2015. Collection method: clinical testing. Allele origin: germline. Affected: yes.
Comment: The variant is observed at an extremely low frequency in the gnomAD v4.0.0 dataset (total allele frequency: <0.001%). Predicted Consequence/Location: Missense variant In silico tool predictions suggest damaging effect of the variant on gene or gene product [REVEL: 0.60 (>=0.6, sensitivity 0.68 and specificity 0.92); 3Cnet: 0.89 (>=0.6, sensitivity 0.72 and precision 0.9)]. Different missense change at the same codon has been reported as of uncertain significance (ClinVar ID: VCV002339784). Therefore, this variant is classified as VUS according to the recommendation of ACMG/AMP guideline.

NM_003859.3(DPM1):c.533C>G (p.Pro178Arg)

Genes: DPM1 (dolichyl-phosphate mannosyltransferase subunit 1, catalytic; minus strand), ADNP-AS1 (ADNP antisense RNA 1; plus strand). Cytogenetic location: 20q13.13.
Variant type: single nucleotide variant.
Coding change: c.533C>G on transcript NM_003859.3 (MANE Select); coding-DNA position 533, C replaced by G.
Protein change: p.Pro178Arg; replaces proline 178 with arginine.
Molecular consequence: missense variant. On other transcripts: non-coding transcript variant (1), intron variant (1).
Genome position (GRCh38, 1-based): chr20:50,940,895, G>C on the plus strand (C>G on the coding strand, the complement: DPM1 is on the minus strand). VCF-style: chr20-50940895-G-C. GRCh37 (hg19) VCF-style: chr20-49557432-G-C.
Other names: c.638C>G, p.Pro213Arg (NM_001317034.1); c.614C>G, p.Pro205Arg (NM_001317035.1); c.494+1136C>G (NM_001317036.1); short protein forms P213R, P178R, P205R.
Identifiers: ClinVar variation 4292328 (VCV004292328.1).